The following is an entry in ClinVar:

NM_000548.5(TSC2):c.3105C>G (p.Phe1035Leu)

Gene: TSC2 (TSC complex subunit 2; plus strand). Cytogenetic location: 16p13.3.
Variant type: single nucleotide variant.
Coding change: c.3105C>G on transcript NM_000548.5 (MANE Select); coding-DNA position 3105, C replaced by G.
Protein change: p.Phe1035Leu; replaces phenylalanine 1035 with leucine.
Molecular consequence: missense variant. On other transcripts: non-coding transcript variant (5).
Genome position (GRCh38, 1-based): chr16:2,079,170, C>G. VCF-style: chr16-2079170-C-G. GRCh37 (hg19) VCF-style: chr16-2129171-C-G.
Other names: c.3102C>G, p.Phe1034Leu (NM_001406664.1, NM_001406663.1); c.2973C>G, p.Phe991Leu (NM_001406665.1, NM_001077183.3, NM_001370404.1); c.3066C>G, p.Phe1022Leu (NM_001406667.1); c.3063C>G, p.Phe1021Leu (NM_001406668.1); c.2994C>G, p.Phe998Leu (NM_001406670.1); c.2964C>G, p.Phe988Leu (NM_001406671.1); c.2961C>G, p.Phe987Leu (NM_001406673.1); c.2958C>G, p.Phe986Leu (NM_001406675.1); and 18 more; short protein forms F544L, F791L, F942L, F955L, F992L, F1002L, F1034L, F835L.
Identifiers: ClinVar variation 3462590 (VCV003462590.2).

ClinVar aggregate classification (germline): Uncertain significance (1 of 4 stars; one submission).

Conditions:
Hereditary cancer-predisposing syndrome. Also called: Hereditary neoplastic syndrome; Neoplastic Syndromes, Hereditary; Tumor predisposition; Hereditary Cancer Syndrome. Identifiers: Orphanet 140162, MedGen C0027672, MeSH D009386, MONDO:0015356.

Submission:

Ambry Genetics
Classification: Uncertain significance for Hereditary cancer-predisposing syndrome. Last evaluated: 2026-07-06. Review status: criteria provided, single submitter. Criteria: Ambry Variant Classification Scheme 2023. Collection method: clinical testing. Allele origin: germline.
Comment: The p.F1035L variant (also known as c.3105C>G), located in coding exon 26 of the TSC2 gene, results from a C to G substitution at nucleotide position 3105. The phenylalanine at codon 1035 is replaced by leucine, an amino acid with highly similar properties. This amino acid position is highly conserved in available vertebrate species. In addition, this alteration is predicted to be deleterious by in silico analysis. Based on the available evidence, the clinical significance of this variant remains unclear.